The following is an entry in ClinVar:

ClinVar aggregate classification (germline): Uncertain significance (1 of 4 stars; one submission).

Conditions:
ARHGAP31-related disorder. Also called: ARHGAP31-related condition.

gnomAD v4.1: 2 of 1,614,140 alleles (0.00012%); highest among the groups gnomAD compares: Admixed American, 0.0033%; no homozygotes.

Submission:

PreventionGenetics, part of Exact Sciences
Classification: Uncertain significance for ARHGAP31-related condition. Last evaluated: 2025-04-12. Review status: criteria provided, single submitter. Criteria: ACMG Guidelines, 2015. Collection method: clinical testing. Allele origin: germline.
Comment: The ARHGAP31 c.4014G>C variant is predicted to result in the amino acid substitution p.Arg1338Ser. To our knowledge, this variant has not been reported in the literature. This variant is reported in 0.0029% of alleles in individuals of Latino descent in gnomAD. At this time, the clinical significance of this variant is uncertain due to the absence of conclusive functional and genetic evidence.

NM_020754.4(ARHGAP31):c.4014G>C (p.Arg1338Ser)

Gene: ARHGAP31 (Rho GTPase activating protein 31; plus strand). Cytogenetic location: 3q13.33.
Variant type: single nucleotide variant.
Coding change: c.4014G>C on transcript NM_020754.4 (MANE Select); coding-DNA position 4014, G replaced by C.
Protein change: p.Arg1338Ser; replaces arginine 1338 with serine.
Molecular consequence: missense variant.
Genome position (GRCh38, 1-based): chr3:119,415,943, G>C. VCF-style: chr3-119415943-G-C. GRCh37 (hg19) VCF-style: chr3-119134790-G-C.
Other names: short protein forms R1338S.
Identifiers: ClinVar variation 4989253 (VCV004989253.1).
Genomic context (GRCh38, chr3:119,415,943, plus strand): 5'-GGACAACCTTCTTTCTTCAAAACTAGAGCGACCATCTGGGGGTTCTAAGCCTTTCCACAG[G>C]TCAAGGCCAGGAAGACCTCAGAGCCTAATCTTATTCAGTCCTCCTTTCCCCATTATGGAC-3'
Protein context (NP_065805.2, residues 1328-1348): RPSGGSKPFH[Arg1338Ser]SRPGRPQSLI